The following is an entry in ClinVar:

ClinVar aggregate classification (germline): Pathogenic. Review status: reviewed by expert panel (3 of 4 stars). 10 submissions from 10 submitters: Pathogenic (1). 9 of the submissions do not count toward it. Last evaluated 2016-10-18.

Conditions:
Hereditary cancer-predisposing syndrome. Also called: Tumor predisposition; Hereditary Cancer Syndrome; Neoplastic Syndromes, Hereditary; Hereditary neoplastic syndrome. Identifiers: Orphanet 140162, MedGen C0027672, MeSH D009386, MONDO:0015356.
Hereditary breast ovarian cancer syndrome. Also called: Hereditary breast and ovarian cancer; Breast and ovarian cancer; Hereditary breast and/or ovarian cancer syndrome; BRCA1- and BRCA2-Associated Hereditary Breast and Ovarian Cancer; Hereditary breast and ovarian cancer syndrome; Hereditary breast and ovarian cancer syndrome (HBOC). Identifiers: Orphanet 145, MedGen C0677776, MeSH D061325, MONDO:0003582. Disease mechanism: loss of function.
Breast-ovarian cancer, familial, susceptibility to, 2 (BROVCA2). Also called: BRCA2 Hereditary Breast and Ovarian Cancer. Identifiers: Orphanet 145, MedGen C2675520, MONDO:0012933, OMIM 612555. Disease mechanism: loss of function.
Familial cancer of breast. Also called: BREAST CANCER, FAMILIAL; Hereditary breast cancer; hereditary breast carcinoma. Identifiers: Orphanet 227535, MedGen C0346153, MONDO:0016419, OMIM 114480. Disease mechanism: loss of function.

gnomAD v4.1: 4 of 1,584,106 alleles (0.00025%); highest among the groups gnomAD compares: Non-Finnish European, 0.00034%; no homozygotes.

Submissions (10):

Evidence-based Network for the Interpretation of Germline Mutant Alleles (ENIGMA)
Classification: Pathogenic for Breast-ovarian cancer, familial, susceptibility to, 2. Last evaluated: 2016-10-18. Review status: reviewed by expert panel. Criteria: ENIGMA BRCA1/2 Classification Criteria (2015). Collection method: curation. Allele origin: germline.
Comment: Variant allele predicted to encode a truncated non-functional protein.

Labcorp Genetics (formerly Invitae), Labcorp
Classification: Pathogenic for Hereditary breast ovarian cancer syndrome. Last evaluated: 2024-01-13. Review status: criteria provided, single submitter. Criteria: Invitae Variant Classification Sherloc (09022015). Collection method: clinical testing. Allele origin: germline. Not counted in ClinVar's aggregate classification.
Comment: This sequence change creates a premature translational stop signal (p.Ser869*) in the BRCA2 gene. It is expected to result in an absent or disrupted protein product. Loss-of-function variants in BRCA2 are known to be pathogenic (PMID: 20104584). This variant is not present in population databases (gnomAD no frequency). This variant has not been reported in the literature in individuals affected with BRCA2-related conditions. ClinVar contains an entry for this variant (Variation ID: 252823). For these reasons, this variant has been classified as Pathogenic.

Ambry Genetics
Classification: Pathogenic for Hereditary cancer-predisposing syndrome. Last evaluated: 2023-10-31. Review status: criteria provided, single submitter. Criteria: Ambry Variant Classification Scheme 2023. Collection method: clinical testing. Allele origin: germline. Not counted in ClinVar's aggregate classification.
Comment: The p.S869* pathogenic mutation (also known as c.2606C>G), located in coding exon 10 of the BRCA2 gene, results from a C to G substitution at nucleotide position 2606. This changes the amino acid from a serine to a stop codon within coding exon 10. This alteration was identified in a large, worldwide study of BRCA1/2 mutation positive families (Rebbeck TR at al. Hum Mutat. 2018 May;39(5):593-620.) In addition to the clinical data presented in the literature, this alteration is expected to result in loss of function by premature protein truncation or nonsense-mediated mRNA decay. As such, this alteration is interpreted as a disease-causing mutation.

GeneDx
Classification: Pathogenic. Last evaluated: 2023-07-03. Review status: criteria provided, single submitter. Criteria: GeneDx Variant Classification Process June 2021. Collection method: clinical testing. Allele origin: germline. Affected: yes. Not counted in ClinVar's aggregate classification.
Comment: Observed in individuals with a personal or family history consistent with pathogenic variants in this gene (Malone et al., 2006; Fasching et al., 2018; Darst et al., 2021); Nonsense variant predicted to result in protein truncation or nonsense mediated decay in a gene for which loss of function is a known mechanism of disease; Truncating variants in this gene are considered pathogenic by a well-established clinical consortium and/or database; Not observed at significant frequency in large population cohorts (gnomAD); Also known as 2834C>G; This variant is associated with the following publications: (PMID: 29446198, 16912212, 33087929, 20104584, 29884841, 32377563, 31131967, 31911673, 32853339, 29791287)

Women's Health and Genetics/Laboratory Corporation of America, LabCorp
Classification: Pathogenic for Hereditary breast ovarian cancer syndrome. Last evaluated: 2023-06-15. Review status: criteria provided, single submitter. Criteria: LabCorp Variant Classification Summary - May 2015. Collection method: clinical testing. Allele origin: germline. Not counted in ClinVar's aggregate classification.
Comment: Variant summary: BRCA2 c.2606C>G (p.Ser869X) results in a premature termination codon, predicted to cause a truncation of the encoded protein or absence of the protein due to nonsense mediated decay, which are commonly known mechanisms for disease. The variant was absent in 221518 control chromosomes. c.2606C>G has been reported in the literature in at least one individual affected with breast cancer (e.g., Fasching_2018). To our knowledge, no experimental evidence demonstrating an impact on protein function has been reported. The following publication has been ascertained in the context of this evaluation (PMID: 29791287). Five ClinVar submitters have submitted clinical-significance assessments for this variant to ClinVar after 2014 and all submitters classified the variant as pathogenic. Based on the evidence outlined above, the variant was classified as pathogenic.

Baylor Genetics
Classification: Pathogenic for Familial cancer of breast. Last evaluated: 2021-12-20. Review status: criteria provided, single submitter. Criteria: ACMG Guidelines, 2015. Collection method: clinical testing. Allele origin: unknown. Not counted in ClinVar's aggregate classification.

Quest Diagnostics Nichols Institute San Juan Capistrano
Classification: Pathogenic. Last evaluated: 2021-04-23. Review status: criteria provided, single submitter. Criteria: Quest Diagnostics criteria. Collection method: clinical testing. Allele origin: unknown. Not counted in ClinVar's aggregate classification.
Comment: This nonsense variant causes the premature termination of BRCA2 protein synthesis. In addition, it has been reported in individuals/families with breast cancer and HBOC in the published literature (PMID: 29446198 (2018), 29791287 (2018)). This variant has not been reported in large, multi-ethnic general populations. Based on the available information, this variant is classified as pathogenic.

Laboratory for Molecular Medicine, Mass General Brigham Personalized Medicine
Classification: Likely pathogenic for Hereditary breast ovarian cancer syndrome. Last evaluated: 2019-10-14. Review status: criteria provided, single submitter. Criteria: ACMG Guidelines, 2015. Collection method: clinical testing. Allele origin: germline. Not counted in ClinVar's aggregate classification.
Comment: The p.Ser869X variant in BRCA2 has not been previously reported in individuals with hereditary breast and/or ovarian cancer (HBOC) and was absent from large population studies, but has been reported in ClinVar (Variation ID: 252823). This nonsense variant leads to a premature termination codon at position 869, which is predicted to lead to a truncated or absent protein. Loss of function of the BRCA2 gene is an established disease mechanism in autosomal dominant HBOC. In summary, although additional studies are required to fully establish its clinical significance, this variant meets criteria to be classified as likely pathogenic for autosomal dominant HBOC. ACMG/AMP Criteria applied: PVS1, PM2.

Consortium of Investigators of Modifiers of BRCA1/2 (CIMBA), c/o University of Cambridge
Classification: Pathogenic for Breast-ovarian cancer, familial, susceptibility to, 2. Last evaluated: 2015-10-02. Review status: criteria provided, single submitter. Criteria: CIMBA Mutation Classification guidelines May 2016. Collection method: clinical testing. Allele origin: germline. Not counted in ClinVar's aggregate classification.

Sharing Clinical Reports Project (SCRP)
Classification: Pathogenic for Breast-ovarian cancer, familial 2. Last evaluated: 2012-06-18. Review status: no assertion criteria provided. Collection method: clinical testing. Allele origin: germline. Not counted in ClinVar's aggregate classification.

Literature cited by the submitters: PubMed 20104584 (cited by Labcorp Genetics (formerly Invitae), Labcorp); PubMed 29791287 (cited by Women's Health and Genetics/Laboratory Corporation of America, LabCorp and Quest Diagnostics Nichols Institute San Juan Capistrano); PubMed 29446198 (cited by Quest Diagnostics Nichols Institute San Juan Capistrano).

NM_000059.4(BRCA2):c.2606C>G (p.Ser869Ter)

Gene: BRCA2 (BRCA2 DNA repair associated; plus strand). Cytogenetic location: 13q13.1.
Variant type: single nucleotide variant.
Coding change: c.2606C>G on transcript NM_000059.4 (MANE Select); coding-DNA position 2606, C replaced by G.
Protein change: p.Ser869Ter; replaces serine 869 with a stop codon.
Molecular consequence: nonsense.
Genome position (GRCh38, 1-based): chr13:32,336,961, C>G. VCF-style: chr13-32336961-C-G. GRCh37 (hg19) VCF-style: chr13-32911098-C-G.
Other names: 2834C>G; short protein forms S869X.
Identifiers: ClinVar variation 252823 (VCV000252823.17), dbSNP rs80358523, ClinGen allele CA10586061.
Genomic context (GRCh38, chr13:32,336,961, plus strand): 5'-TACAATTCAACCAAAACACAAATCTAAGAGTAATCCAAAAAAATCAAGAAGAAACTACTT[C>G]AATTTCAAAAATAACTGTCAATCCAGACTCTGAAGAACTTTTCTCAGACAATGAGAATAA-3'